The following is an entry in ClinVar:

ClinVar aggregate classification (germline): Uncertain significance (1 of 4 stars; one submission).

Allele frequency attached by ClinVar (database versions not stated): TOPMed below 0.00001.

Submission:

Ambry Genetics
Classification: Uncertain significance. Last evaluated: 2021-10-29. Review status: criteria provided, single submitter. Criteria: Ambry Variant Classification Scheme 2023. Collection method: clinical testing. Allele origin: germline.
Comment: The p.L45V variant (also known as c.133C>G), located in coding exon 1 of the TERF2IP gene, results from a C to G substitution at nucleotide position 133. The leucine at codon 45 is replaced by valine, an amino acid with highly similar properties. This amino acid position is conserved. In addition, this alteration is predicted to be tolerated by in silico analysis. Since supporting evidence is limited at this time, the clinical significance of this alteration remains unclear.

NM_018975.4(TERF2IP):c.133C>G (p.Leu45Val)

Gene: TERF2IP (TERF2 interacting protein; plus strand). Cytogenetic location: 16q23.1.
Variant type: single nucleotide variant.
Coding change: c.133C>G on transcript NM_018975.4 (MANE Select); coding-DNA position 133, C replaced by G.
Protein change: p.Leu45Val; replaces leucine 45 with valine.
Molecular consequence: missense variant. On other transcripts: non-coding transcript variant (1).
Genome position (GRCh38, 1-based): chr16:75,648,015, C>G. VCF-style: chr16-75648015-C-G. GRCh37 (hg19) VCF-style: chr16-75681913-C-G.
Other names: short protein forms L45V.
Identifiers: ClinVar variation 1770318 (VCV001770318.2), dbSNP rs1266936735, ClinGen allele CA396817291.